The following is an entry in ClinVar:

ClinVar aggregate classification (germline): Uncertain significance (1 of 4 stars; one submission).

Conditions:
Warts, hypogammaglobulinemia, infections, and myelokathexis. Also called: WHIM syndrome. Identifiers: MedGen C0472817, MONDO:0023880.

Submission:

Labcorp Genetics (formerly Invitae), Labcorp
Classification: Uncertain significance for Warts, hypogammaglobulinemia, infections, and myelokathexis. Last evaluated: 2025-03-10. Review status: criteria provided, single submitter. Criteria: Invitae Variant Classification Sherloc (09022015). Collection method: clinical testing. Allele origin: germline.
Comment: This sequence change replaces valine, which is neutral and non-polar, with leucine, which is neutral and non-polar, at codon 177 of the CXCR4 protein (p.Val177Leu). This variant is present in population databases (rs767830104, gnomAD 0.0009%). This variant has not been reported in the literature in individuals affected with CXCR4-related conditions. An algorithm developed to predict the effect of missense changes on protein structure and function (PolyPhen-2) suggests that this variant is likely to be tolerated. In summary, the available evidence is currently insufficient to determine the role of this variant in disease. Therefore, it has been classified as a Variant of Uncertain Significance.

NM_003467.3(CXCR4):c.529G>C (p.Val177Leu)

Gene: CXCR4 (C-X-C motif chemokine receptor 4; minus strand). Cytogenetic location: 2q22.1.
Variant type: single nucleotide variant.
Coding change: c.529G>C on transcript NM_003467.3 (MANE Select); coding-DNA position 529, G replaced by C.
Protein change: p.Val177Leu; replaces valine 177 with leucine.
Molecular consequence: missense variant.
Genome position (GRCh38, 1-based): chr2:136,115,399, C>G on the plus strand (G>C on the coding strand, the complement: CXCR4 is on the minus strand). VCF-style: chr2-136115399-C-G. GRCh37 (hg19) VCF-style: chr2-136872969-C-G.
Other names: c.541G>C, p.Val181Leu (NM_001008540.2); c.742G>C, p.Val248Leu (NM_001348056.2); c.628G>C, p.Val210Leu (NM_001348059.2); c.484G>C, p.Val162Leu (NM_001348060.2); short protein forms V210L, V177L, V248L, V162L, V181L.
Identifiers: ClinVar variation 4710447 (VCV004710447.1).